The following is an entry in ClinVar:

ClinVar aggregate classification (germline): Uncertain significance (1 of 4 stars; one submission).

Conditions:
Nemaline myopathy 2 (NEM2). Also called: Nemaline myopathy 2, autosomal recessive. Identifiers: MedGen C1850569, MONDO:0009725, OMIM 256030.

Submission:

Labcorp Genetics (formerly Invitae), Labcorp
Classification: Uncertain significance for Nemaline myopathy 2. Last evaluated: 2022-10-25. Review status: criteria provided, single submitter. Criteria: Invitae Variant Classification Sherloc (09022015). Collection method: clinical testing. Allele origin: germline.
Comment: ClinVar contains an entry for this variant (Variation ID: 1010172). This sequence change falls in intron 23 of the NEB gene. It does not directly change the encoded amino acid sequence of the NEB protein. It affects a nucleotide within the consensus splice site. This variant is not present in population databases (gnomAD no frequency). This variant has not been reported in the literature in individuals affected with NEB-related conditions. Variants that disrupt the consensus splice site are a relatively common cause of aberrant splicing (PMID: 17576681, 9536098). Algorithms developed to predict the effect of sequence changes on RNA splicing suggest that this variant may create or strengthen a splice site. In summary, the available evidence is currently insufficient to determine the role of this variant in disease. Therefore, it has been classified as a Variant of Uncertain Significance.

Literature cited by the submitters: PubMed 17576681; PubMed 9536098.

NM_001164508.2(NEB):c.2211+4A>C

Gene: NEB (nebulin; minus strand). Cytogenetic location: 2q23.3.
Variant type: single nucleotide variant.
Coding change: c.2211+4A>C on transcript NM_001164508.2 (MANE Select); 4 bases into the intron after coding-DNA position 2211, A replaced by C.
Molecular consequence: intron variant.
Genome position (GRCh38, 1-based): chr2:151,691,860, T>G on the plus strand (A>C on the coding strand, the complement: NEB is on the minus strand). VCF-style: chr2-151691860-T-G. GRCh37 (hg19) VCF-style: chr2-152548374-T-G.
Other names: c.2211+4A>C (NM_004543.5, NM_001164507.2, NM_001271208.2).
Identifiers: ClinVar variation 1010172 (VCV001010172.8), dbSNP rs2099553895, ClinGen allele CA1298298807.